The following is an entry in ClinVar:

ClinVar aggregate classification (germline): Benign. Review status: criteria provided, multiple submitters, no conflicts (2 of 4 stars). 3 submissions from 3 submitters: Benign (3). Last evaluated 2021-07-10.

Conditions:
Charcot-Marie-Tooth disease type 4D. Also called: CHARCOT-MARIE-TOOTH DISEASE, DEMYELINATING, AUTOSOMAL RECESSIVE, TYPE 4D; CHARCOT-MARIE-TOOTH DISEASE, DEMYELINATING, TYPE 4D; Charcot-Marie-Tooth Neuropathy Type 4D; NEUROPATHY, HEREDITARY MOTOR AND SENSORY, LOM TYPE. Identifiers: Orphanet 99950, MedGen C1832334, MONDO:0011085, OMIM 601455.

Allele frequency attached by ClinVar (database versions not stated): 1000 Genomes Project 0.27296; 1000 Genomes Project 30x 0.28045; gnomAD 0.29374 and 0.29847; ESP Exome Variant Server 0.30136; TOPMed 0.30351.
gnomAD v4.1: 418,568 of 1,520,300 alleles (28%); highest among the groups gnomAD compares: African/African-American, 36%; 59,636 homozygotes.

Submissions (3):

Genome-Nilou Lab
Classification: Benign for Charcot-Marie-Tooth disease type 4D. Last evaluated: 2021-07-10. Review status: criteria provided, single submitter. Criteria: ACMG Guidelines, 2015. Collection method: clinical testing. Allele origin: germline. Affected: no.

GeneDx
Classification: Benign. Last evaluated: 2018-06-14. Review status: criteria provided, single submitter. Criteria: GeneDx Variant Classification (06012015). Collection method: clinical testing. Allele origin: germline. Affected: yes.
Comment: This variant is considered likely benign or benign based on one or more of the following criteria: it is a conservative change, it occurs at a poorly conserved position in the protein, it is predicted to be benign by multiple in silico algorithms, and/or has population frequency not consistent with disease.

Breakthrough Genomics
Classification: Benign. Review status: criteria provided, single submitter. Criteria: ACMG Guidelines, 2015. Collection method: not provided. Allele origin: germline. Inheritance: Autosomal recessive inheritance. Affected: yes.

NM_006096.4(NDRG1):c.450+61A>G

Gene: NDRG1 (N-myc downstream regulated 1; minus strand). Cytogenetic location: 8q24.22.
Variant type: single nucleotide variant.
Coding change: c.450+61A>G on transcript NM_006096.4 (MANE Select); 61 bases into the intron after coding-DNA position 450, A replaced by G.
Molecular consequence: intron variant.
Genome position (GRCh38, 1-based): chr8:133,258,305, T>C on the plus strand (A>G on the coding strand, the complement: NDRG1 is on the minus strand). VCF-style: chr8-133258305-T-C. GRCh37 (hg19) VCF-style: chr8-134270548-T-C.
Other names: c.252+61A>G (NM_001258432.2, NM_001374847.1); c.207+61A>G (NM_001258433.2); c.450+61A>G (NM_001374844.1, NM_001135242.2, NM_001374845.1 and 1 more transcripts).
Identifiers: ClinVar variation 670539 (VCV000670539.5), dbSNP rs2272651, ClinGen allele CA12741396.